The following is an entry in ClinVar:

NM_000256.3(MYBPC3):c.3597G>T (p.Met1199Ile)

Gene: MYBPC3 (myosin binding protein C3; minus strand). Cytogenetic location: 11p11.2.
Variant type: single nucleotide variant.
Coding change: c.3597G>T on transcript NM_000256.3 (MANE Select); coding-DNA position 3597, G replaced by T.
Protein change: p.Met1199Ile; replaces methionine 1199 with isoleucine.
Molecular consequence: missense variant.
Genome position (GRCh38, 1-based): chr11:47,332,596, C>A on the plus strand (G>T on the coding strand, the complement: MYBPC3 is on the minus strand). VCF-style: chr11-47332596-C-A. GRCh37 (hg19) VCF-style: chr11-47354147-C-A.
Other names: short protein forms M1199I.
Identifiers: ClinVar variation 4757120 (VCV004757120.1).

ClinVar aggregate classification (germline): Uncertain significance (1 of 4 stars; one submission).

Conditions:
Cardiomyopathy (CMYO). Also called: Cardiomyopathies. Identifiers: Orphanet 167848, MedGen C0878544, MONDO:0004994, HP:0001638. Inheritance: Various modes of inheritance.

Submission:

Color Diagnostics, LLC DBA Color Health
Classification: Uncertain significance for Cardiomyopathy. Last evaluated: 2025-06-09. Review status: criteria provided, single submitter. Criteria: ACMG Guidelines, 2015. Collection method: clinical testing. Allele origin: germline.
Comment: This missense variant replaces methionine with isoleucine at codon 1199 of the MYBPC3 protein. Computational prediction suggests that this variant may not impact protein structure and function. To our knowledge, functional studies have not been reported for this variant. This variant has not been reported in individuals affected with MYBPC3-related disorders in the literature. This variant has not been identified in the general population by the Genome Aggregation Database (gnomAD). The available evidence is insufficient to determine the role of this variant in disease conclusively. Therefore, this variant is classified as a Variant of Uncertain Significance.